The following is an entry in ClinVar:

ClinVar aggregate classification (germline): Uncertain significance (1 of 4 stars; one submission).

Allele frequency attached by ClinVar (database versions not stated): gnomAD exomes 0.00001.
gnomAD v4.1: 10 of 1,613,966 alleles (0.00062%); highest among the groups gnomAD compares: Non-Finnish European, 0.00085%; no homozygotes.

Submission:

Labcorp Genetics (formerly Invitae), Labcorp
Classification: Uncertain significance. Last evaluated: 2022-02-05. Review status: criteria provided, single submitter. Criteria: Invitae Variant Classification Sherloc (09022015). Collection method: clinical testing. Allele origin: germline.
Comment: In summary, the available evidence is currently insufficient to determine the role of this variant in disease. Therefore, it has been classified as a Variant of Uncertain Significance. Algorithms developed to predict the effect of missense changes on protein structure and function are either unavailable or do not agree on the potential impact of this missense change (SIFT: "Tolerated"; PolyPhen-2: "Possibly Damaging"; Align-GVGD: "Class C25"). ClinVar contains an entry for this variant (Variation ID: 1026254). This variant has not been reported in the literature in individuals affected with SZT2-related conditions. This variant is not present in population databases (gnomAD no frequency). This sequence change replaces proline, which is neutral and non-polar, with serine, which is neutral and polar, at codon 1544 of the SZT2 protein (p.Pro1544Ser).

NM_001365999.1(SZT2):c.4801C>T (p.Pro1601Ser)

Gene: SZT2 (SZT2 subunit of KICSTOR complex; plus strand). Cytogenetic location: 1p34.2.
Variant type: single nucleotide variant.
Coding change: c.4801C>T on transcript NM_001365999.1 (MANE Select); coding-DNA position 4801, C replaced by T.
Protein change: p.Pro1601Ser; replaces proline 1601 with serine.
Molecular consequence: missense variant.
Genome position (GRCh38, 1-based): chr1:43,430,975, C>T. VCF-style: chr1-43430975-C-T. GRCh37 (hg19) VCF-style: chr1-43896646-C-T.
Other names: c.4630C>T, p.Pro1544Ser (NM_015284.4); short protein forms P1544S, P1601S.
Identifiers: ClinVar variation 1026254 (VCV001026254.10), dbSNP rs1653798482, ClinGen allele CA340022763.